The following is an entry in ClinVar:

ClinVar aggregate classification (germline): Uncertain significance. Review status: criteria provided, multiple submitters, no conflicts (2 of 4 stars). 2 submissions from 2 submitters: Uncertain significance (2). Last evaluated 2025-07-31.

Conditions:
Tuberous sclerosis 2 (TSC2). Identifiers: Orphanet 805, MedGen C1860707, MONDO:0013199, OMIM 613254.
Hereditary cancer-predisposing syndrome. Also called: Hereditary Cancer Syndrome; Hereditary neoplastic syndrome; Tumor predisposition; Neoplastic Syndromes, Hereditary. Identifiers: Orphanet 140162, MedGen C0027672, MeSH D009386, MONDO:0015356.

Submissions (2):

Ambry Genetics
Classification: Uncertain significance for Hereditary cancer-predisposing syndrome. Last evaluated: 2025-07-31. Review status: criteria provided, single submitter. Criteria: Ambry Variant Classification Scheme 2023. Collection method: clinical testing. Allele origin: germline.
Comment: The p.A1479D variant (also known as c.4436C>A), located in coding exon 33 of the TSC2 gene, results from a C to A substitution at nucleotide position 4436. The alanine at codon 1479 is replaced by aspartic acid, an amino acid with dissimilar properties. This amino acid position is not well conserved in available vertebrate species. In addition, the in silico prediction for this alteration is inconclusive. Based on the available evidence, the clinical significance of this variant remains unclear.

Labcorp Genetics (formerly Invitae), Labcorp
Classification: Uncertain significance for Tuberous sclerosis 2. Last evaluated: 2023-01-17. Review status: criteria provided, single submitter. Criteria: Invitae Variant Classification Sherloc (09022015). Collection method: clinical testing. Allele origin: germline.
Comment: This sequence change replaces alanine, which is neutral and non-polar, with aspartic acid, which is acidic and polar, at codon 1479 of the TSC2 protein (p.Ala1479Asp). In summary, the available evidence is currently insufficient to determine the role of this variant in disease. Therefore, it has been classified as a Variant of Uncertain Significance. Advanced modeling of protein sequence and biophysical properties (such as structural, functional, and spatial information, amino acid conservation, physicochemical variation, residue mobility, and thermodynamic stability) performed at Invitae indicates that this missense variant is not expected to disrupt TSC2 protein function. This variant has not been reported in the literature in individuals affected with TSC2-related conditions. This variant is not present in population databases (gnomAD no frequency).

NM_000548.5(TSC2):c.4436C>A (p.Ala1479Asp)

Gene: TSC2 (TSC complex subunit 2; plus strand). Cytogenetic location: 16p13.3.
Variant type: single nucleotide variant.
Coding change: c.4436C>A on transcript NM_000548.5 (MANE Select); coding-DNA position 4436, C replaced by A.
Protein change: p.Ala1479Asp; replaces alanine 1479 with aspartic acid.
Molecular consequence: missense variant. On other transcripts: non-coding transcript variant (5).
Genome position (GRCh38, 1-based): chr16:2,084,658, C>A. VCF-style: chr16-2084658-C-A. GRCh37 (hg19) VCF-style: chr16-2134659-C-A.
Other names: c.4235C>A, p.Ala1412Asp (NM_001077183.3); c.4367C>A, p.Ala1456Asp (NM_001114382.3); c.4127C>A, p.Ala1376Asp (NM_001318827.2); c.4091C>A, p.Ala1364Asp (NM_001318829.2); c.3704C>A, p.Ala1235Asp (NM_001318831.2); c.4268C>A, p.Ala1423Asp (NM_001318832.2); c.4238C>A, p.Ala1413Asp (NM_001363528.2); c.4304C>A, p.Ala1435Asp (NM_001370404.1); and 26 more; short protein forms A1364D, A1406D, A1408D, A1409D, A1436D, A1453D, A1456D, A987D.
Identifiers: ClinVar variation 2776375 (VCV002776375.4), dbSNP rs397515242, ClinGen allele CA394302285.